The following is an entry in ClinVar:

ClinVar aggregate classification (germline): Uncertain significance (1 of 4 stars; one submission).

Conditions:
Inborn genetic diseases. Identifiers: MedGen C0950123, MeSH D030342.

Submission:

Ambry Genetics
Classification: Uncertain significance for Inborn genetic diseases. Last evaluated: 2025-04-18. Review status: criteria provided, single submitter. Criteria: Ambry Variant Classification Scheme 2023. Collection method: clinical testing. Allele origin: germline.
Comment: The p.G59V variant (also known as c.176G>T), located in coding exon 2 of the USB1 gene, results from a G to T substitution at nucleotide position 176. The glycine at codon 59 is replaced by valine, an amino acid with dissimilar properties. This amino acid position is conserved. In addition, this alteration is predicted to be tolerated by in silico analysis. Based on the available evidence, the clinical significance of this variant remains unclear.

NM_024598.4(USB1):c.176G>T (p.Gly59Val)

Gene: USB1 (U6 snRNA biogenesis phosphodiesterase 1; plus strand). Cytogenetic location: 16q21.
Variant type: single nucleotide variant.
Coding change: c.176G>T on transcript NM_024598.4 (MANE Select); coding-DNA position 176, G replaced by T.
Protein change: p.Gly59Val; replaces glycine 59 with valine.
Molecular consequence: missense variant.
Genome position (GRCh38, 1-based): chr16:58,002,556, G>T. VCF-style: chr16-58002556-G-T. GRCh37 (hg19) VCF-style: chr16-58036460-G-T.
Other names: c.176G>T, p.Gly59Val (NM_001195302.2, NM_001204911.2, NM_001330569.2); c.23G>T, p.Gly8Val (NM_001330568.2); short protein forms G8V, G59V.
Identifiers: ClinVar variation 3978162 (VCV003978162.1).